The following is an entry in ClinVar:

ClinVar aggregate classification (germline): Uncertain significance (1 of 4 stars; one submission).

Conditions:
Cardiovascular phenotype. Identifiers: MedGen CN230736.

Submission:

Ambry Genetics
Classification: Uncertain significance for Cardiovascular phenotype. Last evaluated: 2022-03-03. Review status: criteria provided, single submitter. Criteria: Ambry Variant Classification Scheme 2023. Collection method: clinical testing. Allele origin: germline.
Comment: The p.N331D variant (also known as c.991A>G), located in coding exon 3 of the PKP2 gene, results from an A to G substitution at nucleotide position 991. The asparagine at codon 331 is replaced by aspartic acid, an amino acid with highly similar properties. This amino acid position is conserved. In addition, this alteration is predicted to be tolerated by in silico analysis. Since supporting evidence is limited at this time, the clinical significance of this alteration remains unclear.

NM_001005242.3(PKP2):c.991A>G (p.Asn331Asp)

Gene: PKP2 (plakophilin 2; minus strand). Cytogenetic location: 12p11.21.
Variant type: single nucleotide variant.
Coding change: c.991A>G on transcript NM_001005242.3 (MANE Select); coding-DNA position 991, A replaced by G.
Protein change: p.Asn331Asp; replaces asparagine 331 with aspartic acid.
Molecular consequence: missense variant.
Genome position (GRCh38, 1-based): chr12:32,877,889, T>C on the plus strand (A>G on the coding strand, the complement: PKP2 is on the minus strand). VCF-style: chr12-32877889-T-C. GRCh37 (hg19) VCF-style: chr12-33030823-T-C.
Other names: c.991A>G, p.Asn331Asp (NM_001407155.1, NM_001407156.1, NM_001407157.1 and 2 more transcripts); c.664A>G, p.Asn222Asp (NM_001407158.1, NM_001407159.1, NM_001407160.1 and 1 more transcripts); short protein forms N331D, N222D.
Identifiers: ClinVar variation 1768605 (VCV001768605.2), dbSNP rs2541337971, ClinGen allele CA384361774.
Genomic context (GRCh38, chr12:32,877,889, plus strand): 5'-GTCAGGAGGGGACTTACCCCAGCTGGGAGTCAGTGAAAGTGCTTCTCTCAGTGAGCAGAT[T>C]CCCACTTCCCCCTGCGGCCGCCTGGCCGACAGTCAAGTGCGCTCTCCTCCCGCTGGAATC-3'
Protein context (NP_001005242.2, residues 321-341): VGQAAAGGSG[Asn331Asp]LLTERSTFTD